The following is an entry in ClinVar:

NM_006214.4(PHYH):c.792C>T (p.His264=)

Gene: PHYH (phytanoyl-CoA 2-hydroxylase; minus strand). Cytogenetic location: 10p13.
Variant type: single nucleotide variant.
Coding change: c.792C>T on transcript NM_006214.4 (MANE Select); coding-DNA position 792, C replaced by T.
Protein change: p.His264=; no amino-acid change (histidine 264 retained).
Molecular consequence: synonymous variant.
Genome position (GRCh38, 1-based): chr10:13,283,726, G>A on the plus strand (C>T on the coding strand, the complement: PHYH is on the minus strand). VCF-style: chr10-13283726-G-A. GRCh37 (hg19) VCF-style: chr10-13325726-G-A.
Other names: c.492C>T, p.His164= (NM_001037537.2, NM_001323080.2); c.798C>T, p.His266= (NM_001323082.2); c.528C>T, p.His176= (NM_001323083.2); c.498C>T, p.His166= (NM_001323084.2).
Identifiers: ClinVar variation 299246 (VCV000299246.18), dbSNP rs372047384, ClinGen allele CA5412241.

ClinVar aggregate classification (germline): Conflicting classifications of pathogenicity. Review status: criteria provided, conflicting classifications (1 of 4 stars). 4 submissions from 4 submitters: Uncertain significance (1); Likely benign (2). 1 of the submissions does not count toward it. Last evaluated 2026-01-01.

Conditions:
PHYH-related disorder. Also called: PHYH-related condition.
Refsum disease, classic. Also called: HEREDOPATHIA ATACTICA POLYNEURITIFORMIS; HMSN IV; PHYTANIC ACID OXIDASE DEFICIENCY; PHYH-Related Refsum Disease. Identifiers: Orphanet 773, MedGen C5780941, MONDO:1060256, OMIM 266500. Disease mechanism: loss of function.

Allele frequency attached by ClinVar (database versions not stated): ExAC 0.00014; 1000 Genomes Project 30x 0.00031; gnomAD 0.00033 and 0.00034; ESP Exome Variant Server 0.00023; 1000 Genomes Project 0.00040; gnomAD exomes 0.00005 and 0.00014; TOPMed 0.00040.
gnomAD v4.1: 126 of 1,614,022 alleles (0.0078%); highest among the groups gnomAD compares: African/African-American, 0.093%; no homozygotes.

Submissions (4):

Labcorp Genetics (formerly Invitae), Labcorp
Classification: Likely benign. Last evaluated: 2026-01-01. Review status: criteria provided, single submitter. Criteria: Invitae Variant Classification Sherloc (09022015). Collection method: clinical testing. Allele origin: germline.

Blueprint Genetics
Classification: Likely benign. Last evaluated: 2024-03-22. Review status: criteria provided, single submitter. Criteria: ACMG Guidelines, 2015. Collection method: clinical testing. Allele origin: germline.

Illumina Laboratory Services, Illumina
Classification: Uncertain significance for Refsum disease, classic. Last evaluated: 2018-01-13. Review status: criteria provided, single submitter. Criteria: ICSL Variant Classification Criteria 13 December 2019. Collection method: clinical testing. Allele origin: germline.

PreventionGenetics, part of Exact Sciences
Classification: Likely benign for PHYH-related condition. Last evaluated: 2019-11-11. Review status: no assertion criteria provided. Collection method: clinical testing. Allele origin: germline. Not counted in ClinVar's aggregate classification.
Comment: This variant is classified as likely benign based on ACMG/AMP sequence variant interpretation guidelines (Richards et al. 2015 PMID: 25741868, with internal and published modifications).